The following is an entry in ClinVar:

Conditions:
Arteriohepatic dysplasia. Also called: Alagille Syndrome. Identifiers: Orphanet 52, MedGen C0085280, MeSH D016738, MONDO:0007318.

Submission:

Gilbert/Spinner Lab, Children's Hospital of Philadelphia
No classification provided (evidence only). Condition: Alagille syndrome. Review status: no classification provided. Collection method: research. Allele origin: not applicable. Functional consequence: functionally_abnormal.
ClinVar note: "not provided" was previously submitted as the classification for the variant. However, the classification appeared to be based only on an observation of functional data so it was converted to no classification on 2025-07-30.

NM_000214.3(JAG1):c.220T>A (p.Tyr74Asn)

Gene: JAG1 (jagged canonical Notch ligand 1; minus strand). Cytogenetic location: 20p12.2.
Variant type: single nucleotide variant.
Coding change: c.220T>A on transcript NM_000214.3 (MANE Select); coding-DNA position 220, T replaced by A.
Protein change: p.Tyr74Asn; replaces tyrosine 74 with asparagine.
Molecular consequence: missense variant.
Genome position (GRCh38, 1-based): chr20:10,672,868, A>T on the plus strand (T>A on the coding strand, the complement: JAG1 is on the minus strand). VCF-style: chr20-10672868-A-T. GRCh37 (hg19) VCF-style: chr20-10653516-A-T.
Other names: short protein forms Y74N.
Identifiers: ClinVar variation 3573424 (VCV003573424.2).